The following is an entry in ClinVar:

NM_030962.4(SBF2):c.898A>G (p.Ile300Val)

Gene: SBF2 (SET binding factor 2; minus strand). Cytogenetic location: 11p15.4.
Variant type: single nucleotide variant.
Coding change: c.898A>G on transcript NM_030962.4 (MANE Select); coding-DNA position 898, A replaced by G.
Protein change: p.Ile300Val; replaces isoleucine 300 with valine.
Molecular consequence: missense variant.
Genome position (GRCh38, 1-based): chr11:9,998,343, T>C on the plus strand (A>G on the coding strand, the complement: SBF2 is on the minus strand). VCF-style: chr11-9998343-T-C. GRCh37 (hg19) VCF-style: chr11-10019890-T-C.
Other names: c.898A>G, p.Ile300Val (NM_001386339.1, NM_001386342.1); short protein forms I300V.
Identifiers: ClinVar variation 216778 (VCV000216778.16), dbSNP rs141669540, ClinGen allele CA339233.
Genomic context (GRCh38, chr11:9,998,343, plus strand): 5'-GAGTCTGATGTAGAAGTGGTTCTGGGAGGGAAGAGAGGTGAATACATTCGGGAATTTTAA[T>C]AGTGCCTCCATCCAAATCTGCTATGATTACATCTAACTGAAAGAGATAAAAAAATTAACC-3'
Protein context (NP_112224.1, residues 290-310): VIIADLDGGT[Ile300Val]KIPECIHLSS

ClinVar aggregate classification (germline): Uncertain significance. Review status: criteria provided, multiple submitters, no conflicts (2 of 4 stars). 4 submissions from 4 submitters: Uncertain significance (4). Last evaluated 2025-06-02.

Conditions:
Inborn genetic diseases. Identifiers: MedGen C0950123, MeSH D030342.
Charcot-Marie-Tooth disease type 4. Also called: Charcot-Marie-Tooth, Type 4; Charcot-Marie-Tooth disease, type IV. Identifiers: Orphanet 64749, MedGen C4082197, MONDO:0018995.

Allele frequency attached by ClinVar (database versions not stated): ExAC 0.00002; gnomAD exomes 0.00002 and 0.00004; gnomAD 0.00003; TOPMed 0.00003; ESP Exome Variant Server 0.00015.
gnomAD v4.1: 57 of 1,607,132 alleles (0.0035%); highest among the groups gnomAD compares: Non-Finnish European, 0.0044%; 1 homozygote.

Submissions (4):

Women's Health and Genetics/Laboratory Corporation of America, LabCorp
Classification: Uncertain significance. Last evaluated: 2025-06-02. Review status: criteria provided, single submitter. Criteria: LabCorp Variant Classification Summary - May 2015. Collection method: clinical testing. Allele origin: germline.
Comment: Variant summary: SBF2 c.898A>G (p.Ile300Val) results in a conservative amino acid change in the encoded protein sequence. Algorithms developed to predict the effect of missense changes on protein structure and function are either unavailable or do not agree on the potential impact of this missense change. The variant allele was found at a frequency of 2.4e-05 in 250794 control chromosomes. The available data on variant occurrences in the general population are insufficient to allow any conclusion about variant significance. To our knowledge, no occurrence of c.898A>G in individuals affected with Charcot-Marie-Tooth disease type 4B2 and no experimental evidence demonstrating its impact on protein function have been reported. ClinVar contains an entry for this variant (Variation ID: 216778). Based on the evidence outlined above, the variant was classified as uncertain significance.

Ambry Genetics
Classification: Uncertain significance for Inborn genetic diseases. Last evaluated: 2025-05-20. Review status: criteria provided, single submitter. Criteria: Ambry Variant Classification Scheme 2023. Collection method: clinical testing. Allele origin: germline.

Labcorp Genetics (formerly Invitae), Labcorp
Classification: Uncertain significance for Charcot-Marie-Tooth disease type 4. Last evaluated: 2024-06-10. Review status: criteria provided, single submitter. Criteria: Invitae Variant Classification Sherloc (09022015). Collection method: clinical testing. Allele origin: germline.
Comment: This sequence change replaces isoleucine, which is neutral and non-polar, with valine, which is neutral and non-polar, at codon 300 of the SBF2 protein (p.Ile300Val). This variant is present in population databases (rs141669540, gnomAD 0.004%). This variant has not been reported in the literature in individuals affected with SBF2-related conditions. ClinVar contains an entry for this variant (Variation ID: 216778). Advanced modeling of protein sequence and biophysical properties (such as structural, functional, and spatial information, amino acid conservation, physicochemical variation, residue mobility, and thermodynamic stability) performed at Invitae indicates that this missense variant is not expected to disrupt SBF2 protein function with a negative predictive value of 80%. In summary, the available evidence is currently insufficient to determine the role of this variant in disease. Therefore, it has been classified as a Variant of Uncertain Significance.

Blueprint Genetics
Classification: Uncertain significance. Last evaluated: 2023-07-14. Review status: criteria provided, single submitter. Criteria: ACMG Guidelines, 2015. Collection method: clinical testing. Allele origin: germline.